The following is an entry in ClinVar:

NM_004285.4(H6PD):c.1814C>T (p.Ala605Val)

Gene: H6PD (hexose-6-phosphate dehydrogenase/glucose 1-dehydrogenase; plus strand). Cytogenetic location: 1p36.22.
Variant type: single nucleotide variant.
Coding change: c.1814C>T on transcript NM_004285.4 (MANE Select); coding-DNA position 1814, C replaced by T.
Protein change: p.Ala605Val; replaces alanine 605 with valine.
Molecular consequence: missense variant.
Genome position (GRCh38, 1-based): chr1:9,264,307, C>T. VCF-style: chr1-9264307-C-T. GRCh37 (hg19) VCF-style: chr1-9324366-C-T.
Other names: c.1814C>T (NM_004285.3); c.1847C>T, p.Ala616Val (NM_001282587.2); short protein forms A616V, A605V.
Identifiers: ClinVar variation 1403107 (VCV001403107.10), dbSNP rs371242953, ClinGen allele CA575429.

ClinVar aggregate classification (germline): Uncertain significance. Review status: criteria provided, multiple submitters, no conflicts (2 of 4 stars). 2 submissions from 2 submitters: Uncertain significance (2). Last evaluated 2023-01-26.

Conditions:
Inborn genetic diseases. Identifiers: MedGen C0950123, MeSH D030342.

Allele frequency attached by ClinVar (database versions not stated): ExAC 0.00003; gnomAD 0.00004 and 0.00005; gnomAD exomes 0.00005 and 0.00006; TOPMed 0.00006; ESP Exome Variant Server 0.00008.
gnomAD v4.1: 95 of 1,611,172 alleles (0.0059%); highest among the groups gnomAD compares: Middle Eastern, 0.033%; no homozygotes.

Submissions (2):

Ambry Genetics
Classification: Uncertain significance for Inborn genetic diseases. Last evaluated: 2023-01-26. Review status: criteria provided, single submitter. Criteria: Ambry Variant Classification Scheme 2023. Collection method: clinical testing. Allele origin: germline.

Labcorp Genetics (formerly Invitae), Labcorp
Classification: Uncertain significance. Last evaluated: 2021-06-07. Review status: criteria provided, single submitter. Criteria: Invitae Variant Classification Sherloc (09022015). Collection method: clinical testing. Allele origin: germline.
Comment: This sequence change replaces alanine with valine at codon 605 of the H6PD protein (p.Ala605Val). The alanine residue is weakly conserved and there is a small physicochemical difference between alanine and valine. This variant is present in population databases (rs371242953, ExAC 0.006%). This variant has not been reported in the literature in individuals with H6PD-related conditions. Algorithms developed to predict the effect of missense changes on protein structure and function (SIFT, PolyPhen-2, Align-GVGD) all suggest that this variant is likely to be tolerated, but these predictions have not been confirmed by published functional studies and their clinical significance is uncertain. Algorithms developed to predict the effect of sequence changes on RNA splicing suggest that this variant may create or strengthen a splice site, but this prediction has not been confirmed by published transcriptional studies. In summary, the available evidence is currently insufficient to determine the role of this variant in disease. Therefore, it has been classified as a Variant of Uncertain Significance.